The following is an entry in ClinVar:

NM_004360.5(CDH1):c.307T>G (p.Trp103Gly)

Gene: CDH1 (cadherin 1; plus strand). Cytogenetic location: 16q22.1.
Variant type: single nucleotide variant.
Coding change: c.307T>G on transcript NM_004360.5 (MANE Select); coding-DNA position 307, T replaced by G.
Protein change: p.Trp103Gly; replaces tryptophan 103 with glycine.
Molecular consequence: missense variant. On other transcripts: 5 prime UTR variant (2).
Genome position (GRCh38, 1-based): chr16:68,801,813, T>G. VCF-style: chr16-68801813-T-G. GRCh37 (hg19) VCF-style: chr16-68835716-T-G.
Other names: c.307T>G, p.Trp103Gly (NM_001317184.2); c.-1309T>G (NM_001317185.2); c.-1513T>G (NM_001317186.2); short protein forms W103G.
Identifiers: ClinVar variation 2016630 (VCV002016630.4), dbSNP rs550619440, ClinGen allele CA396457351.

ClinVar aggregate classification (germline): Uncertain significance (1 of 4 stars; one submission).

Conditions:
Hereditary diffuse gastric adenocarcinoma (HDGC). Also called: DIFFUSE GASTRIC AND LOBULAR BREAST CANCER SYNDROME. Identifiers: Orphanet 26106, MedGen C1708349, MONDO:0007648, OMIM 137215.

Submission:

Labcorp Genetics (formerly Invitae), Labcorp
Classification: Uncertain significance for Hereditary diffuse gastric adenocarcinoma. Last evaluated: 2022-07-13. Review status: criteria provided, single submitter. Criteria: Invitae Variant Classification Sherloc (09022015). Collection method: clinical testing. Allele origin: germline.
Comment: This sequence change replaces tryptophan, which is neutral and slightly polar, with glycine, which is neutral and non-polar, at codon 103 of the CDH1 protein (p.Trp103Gly). This variant is not present in population databases (gnomAD no frequency). This variant has not been reported in the literature in individuals affected with CDH1-related conditions. Algorithms developed to predict the effect of missense changes on protein structure and function are either unavailable or do not agree on the potential impact of this missense change (SIFT: "Tolerated"; PolyPhen-2: "Possibly Damaging"; Align-GVGD: "Class C0"). In summary, the available evidence is currently insufficient to determine the role of this variant in disease. Therefore, it has been classified as a Variant of Uncertain Significance.